The following is an entry in ClinVar:

NM_000038.6(APC):c.3625G>T (p.Glu1209Ter)

Gene: APC (APC regulator of Wnt signaling pathway; plus strand). Cytogenetic location: 5q22.2.
Variant type: single nucleotide variant.
Coding change: c.3625G>T on transcript NM_000038.6 (MANE Select); coding-DNA position 3625, G replaced by T.
Protein change: p.Glu1209Ter; replaces glutamic acid 1209 with a stop codon.
Molecular consequence: nonsense.
Genome position (GRCh38, 1-based): chr5:112,839,219, G>T. VCF-style: chr5-112839219-G-T. GRCh37 (hg19) VCF-style: chr5-112174916-G-T.
Other names: c.3625G>T, p.Glu1209Ter (NM_001127510.3, NM_001354895.2, NM_001407450.1); c.3571G>T, p.Glu1191Ter (NM_001127511.3); c.3679G>T, p.Glu1227Ter (NM_001354896.2, NM_001407447.1, NM_001407448.1 and 1 more transcripts); c.3655G>T, p.Glu1219Ter (NM_001354897.2); c.3550G>T, p.Glu1184Ter (NM_001354898.2); c.3541G>T, p.Glu1181Ter (NM_001354899.2); c.3502G>T, p.Glu1168Ter (NM_001354900.2); c.3448G>T, p.Glu1150Ter (NM_001354901.2, NM_001407453.1); and 11 more; short protein forms E1049*, E1199*, E1202*, E1209*, E1227*, E1083*, E1168*, E1219*.
Identifiers: ClinVar variation 1733367 (VCV001733367.3), dbSNP rs201185479, ClinGen allele CA16029294.
Genomic context (GRCh38, chr5:112,839,219, plus strand): 5'-TCATCACAGAAACAGTCATTTTCATTCTCAAAGAGTTCATCTGGACAAAGCAGTAAAACC[G>T]AACATATGTCTTCAAGCAGTGAGAATACGTCCACACCTTCATCTAATGCCAAGAGGCAGA-3'

ClinVar aggregate classification (germline): Pathogenic/Likely pathogenic. Review status: criteria provided, multiple submitters, no conflicts (2 of 4 stars). 2 submissions from 2 submitters: Pathogenic (1); Likely pathogenic (1). Last evaluated 2023-02-27.

Conditions:
Hereditary cancer-predisposing syndrome. Also called: Neoplastic Syndromes, Hereditary; Tumor predisposition; Hereditary Cancer Syndrome; Hereditary neoplastic syndrome. Identifiers: Orphanet 140162, MedGen C0027672, MeSH D009386, MONDO:0015356.

gnomAD v4.1: 1 of 1,614,062 alleles (0.000062%); highest among the groups gnomAD compares: South Asian, 0.0011%; no homozygotes.

Submissions (2):

GeneDx
Classification: Likely pathogenic. Last evaluated: 2023-02-27. Review status: criteria provided, single submitter. Criteria: GeneDx Variant Classification Process June 2021. Collection method: clinical testing. Allele origin: germline. Affected: yes.
Comment: Nonsense variant predicted to result in protein truncation or nonsense mediated decay in a gene for which loss of function is a known mechanism of disease; Not observed at significant frequency in large population cohorts (gnomAD); Has not been previously published as pathogenic or benign to our knowledge

Ambry Genetics
Classification: Pathogenic for Hereditary cancer-predisposing syndrome. Last evaluated: 2022-04-22. Review status: criteria provided, single submitter. Criteria: Ambry Variant Classification Scheme 2023. Collection method: clinical testing. Allele origin: germline.
Comment: The p.E1209* variant (also known as c.3625G>T), located in coding exon 15 of the APC gene, results from a G to T substitution at nucleotide position 3625. This changes the amino acid from a glutamic acid to a stop codon within coding exon 15. This alteration occurs at the 3' terminus of theAPC gene, is not expected to trigger nonsense-mediated mRNA decay, and only impacts the last 1635 amino acids of the protein. However, premature stop codons are typically deleterious in nature and the impacted region is critical for protein function and a significant portion of the protein is affected (Ambry internal data). Other truncating alterations downstream have been observed in individuals with a personal and/or family history that is consistent with APC-related disease (Ambry internal data). Based on the supporting evidence, this alteration is interpreted as a disease-causing mutation.